The following is an entry in ClinVar:

ClinVar aggregate classification (germline): Uncertain significance. Review status: criteria provided, multiple submitters, no conflicts (2 of 4 stars). 2 submissions from 2 submitters: Uncertain significance (2). Last evaluated 2025-08-11.

Conditions:
Inborn genetic diseases. Identifiers: MedGen C0950123, MeSH D030342.
2-aminoadipic 2-oxoadipic aciduria (AAKAD). Also called: Aminoadipic aciduria; ALPHA-AMINOADIPIC AND ALPHA-KETOADIPIC ACIDURIA. Identifiers: Orphanet 79154, MedGen C1859817, MONDO:0008774, OMIM 204750.

Allele frequency attached by ClinVar (database versions not stated): gnomAD exomes 0.00002; ExAC 0.00007; TOPMed 0.00016; ESP Exome Variant Server 0.00023.
gnomAD v4.1: 53 of 1,613,952 alleles (0.0033%); highest among the groups gnomAD compares: African/African-American, 0.044%; no homozygotes.

Submissions (2):

Ambry Genetics
Classification: Uncertain significance for Inborn genetic diseases. Last evaluated: 2025-08-11. Review status: criteria provided, single submitter. Criteria: Ambry Variant Classification Scheme 2023. Collection method: clinical testing. Allele origin: germline.

Labcorp Genetics (formerly Invitae), Labcorp
Classification: Uncertain significance for 2-aminoadipic 2-oxoadipic aciduria. Last evaluated: 2025-06-12. Review status: criteria provided, single submitter. Criteria: Invitae Variant Classification Sherloc (09022015). Collection method: clinical testing. Allele origin: germline.
Comment: This sequence change replaces aspartic acid, which is acidic and polar, with asparagine, which is neutral and polar, at codon 702 of the DHTKD1 protein (p.Asp702Asn). This variant is present in population databases (rs151226045, gnomAD 0.06%). This variant has not been reported in the literature in individuals affected with DHTKD1-related conditions. ClinVar contains an entry for this variant (Variation ID: 2059612). Invitae Evidence Modeling of protein sequence and biophysical properties (such as structural, functional, and spatial information, amino acid conservation, physicochemical variation, residue mobility, and thermodynamic stability) indicates that this missense variant is expected to disrupt DHTKD1 protein function with a positive predictive value of 80%. In summary, the available evidence is currently insufficient to determine the role of this variant in disease. Therefore, it has been classified as a Variant of Uncertain Significance.

NM_018706.7(DHTKD1):c.2104G>A (p.Asp702Asn)

Gene: DHTKD1 (dehydrogenase E1 and transketolase domain containing 1; plus strand). Cytogenetic location: 10p14.
Variant type: single nucleotide variant.
Coding change: c.2104G>A on transcript NM_018706.7 (MANE Select); coding-DNA position 2104, G replaced by A.
Protein change: p.Asp702Asn; replaces aspartic acid 702 with asparagine.
Molecular consequence: missense variant.
Genome position (GRCh38, 1-based): chr10:12,107,965, G>A. VCF-style: chr10-12107965-G-A. GRCh37 (hg19) VCF-style: chr10-12149964-G-A.
Other names: c.2104G>A (NM_018706.5); short protein forms D702N.
Identifiers: ClinVar variation 2059612 (VCV002059612.5), dbSNP rs151226045, ClinGen allele CA5408134.